The following is an entry in ClinVar:

NM_001077350.3(NPRL3):c.1536G>A (p.Met512Ile)

Genes: HBA-LCR (alpha-globin locus control region; plus strand), NPRL3 (NPR3 like, GATOR1 complex subunit; minus strand). Cytogenetic location: 16p13.3.
Variant type: single nucleotide variant.
Coding change: c.1536G>A on transcript NM_001077350.3 (MANE Select); coding-DNA position 1536, G replaced by A.
Protein change: p.Met512Ile; replaces methionine 512 with isoleucine.
Molecular consequence: missense variant.
Genome position (GRCh38, 1-based): chr16:88,706, C>T on the plus strand (G>A on the coding strand, the complement: NPRL3 is on the minus strand). VCF-style: chr16-88706-C-T. GRCh37 (hg19) VCF-style: chr16-138705-C-T.
Other names: c.999G>A, p.Met333Ile (NM_001039476.3); c.1302G>A, p.Met434Ile (NM_001243247.2); c.1461G>A, p.Met487Ile (NM_001243248.2, NM_001243249.2); short protein forms M512I, M434I, M487I, M333I.
Identifiers: ClinVar variation 3665662 (VCV003665662.2).

ClinVar aggregate classification (germline): Uncertain significance (1 of 4 stars; one submission).

Conditions:
Epilepsy, familial focal, with variable foci 3 (FFEVF3). Identifiers: MedGen C4310708, MONDO:0014925, OMIM 617118.

Submission:

Labcorp Genetics (formerly Invitae), Labcorp
Classification: Uncertain significance for Epilepsy, familial focal, with variable foci 3. Last evaluated: 2024-09-08. Review status: criteria provided, single submitter. Criteria: Invitae Variant Classification Sherloc (09022015). Collection method: clinical testing. Allele origin: germline.
Comment: This sequence change replaces methionine, which is neutral and non-polar, with isoleucine, which is neutral and non-polar, at codon 512 of the NPRL3 protein (p.Met512Ile). This variant is not present in population databases (gnomAD no frequency). This variant has not been reported in the literature in individuals affected with NPRL3-related conditions. Invitae Evidence Modeling of protein sequence and biophysical properties (such as structural, functional, and spatial information, amino acid conservation, physicochemical variation, residue mobility, and thermodynamic stability) indicates that this missense variant is not expected to disrupt NPRL3 protein function with a negative predictive value of 80%. In summary, the available evidence is currently insufficient to determine the role of this variant in disease. Therefore, it has been classified as a Variant of Uncertain Significance.